The following is an entry in ClinVar:

ClinVar aggregate classification (germline): Uncertain significance (1 of 4 stars; one submission).

Conditions:
Autosomal recessive ataxia, Beauce type. Also called: Spinocerebellar ataxia, autosomal recessive 8; ATAXIA, RECESSIVE, OF BEAUCE; SYNE1-Related Autosomal Recessive Cerebellar Ataxia; SYNE1 Deficiency. Identifiers: Orphanet 88644, MedGen C1853116, MONDO:0012549, OMIM 610743.
Emery-Dreifuss muscular dystrophy 4, autosomal dominant (EDMD4). Also called: EMERY-DREIFUSS MUSCULAR DYSTROPHY 4 WITH VARIABLE FEATURES. Identifiers: Orphanet 261, MedGen C2751807, MONDO:0013071, OMIM 612998.

Allele frequency attached by ClinVar (database versions not stated): gnomAD 0.00001; gnomAD exomes 0.00001 and 0.00002; ExAC 0.00002.
gnomAD v4.1: 4 of 1,614,072 alleles (0.00025%); highest among the groups gnomAD compares: East Asian, 0.0089%; no homozygotes.

Submission:

Labcorp Genetics (formerly Invitae), Labcorp
Classification: Uncertain significance for Emery-Dreifuss muscular dystrophy 4, autosomal dominant; Autosomal recessive ataxia, Beauce type. Last evaluated: 2022-09-13. Review status: criteria provided, single submitter. Criteria: Invitae Variant Classification Sherloc (09022015). Collection method: clinical testing. Allele origin: germline.
Comment: Algorithms developed to predict the effect of sequence changes on RNA splicing suggest that this variant may create or strengthen a splice site. Algorithms developed to predict the effect of missense changes on protein structure and function are either unavailable or do not agree on the potential impact of this missense change (SIFT: "Deleterious"; PolyPhen-2: "Benign"; Align-GVGD: "Class C0"). ClinVar contains an entry for this variant (Variation ID: 969477). This variant has not been reported in the literature in individuals affected with SYNE1-related conditions. This variant is present in population databases (rs773060979, gnomAD 0.03%). This sequence change replaces isoleucine, which is neutral and non-polar, with valine, which is neutral and non-polar, at codon 8095 of the SYNE1 protein (p.Ile8095Val). In summary, the available evidence is currently insufficient to determine the role of this variant in disease. Therefore, it has been classified as a Variant of Uncertain Significance.

NM_182961.4(SYNE1):c.24496A>G (p.Ile8166Val)

Gene: SYNE1 (spectrin repeat containing nuclear envelope protein 1; minus strand). Cytogenetic location: 6q25.2.
Variant type: single nucleotide variant.
Coding change: c.24496A>G on transcript NM_182961.4 (MANE Select); coding-DNA position 24496, A replaced by G.
Protein change: p.Ile8166Val; replaces isoleucine 8166 with valine.
Molecular consequence: missense variant.
Genome position (GRCh38, 1-based): chr6:152,149,623, T>C on the plus strand (A>G on the coding strand, the complement: SYNE1 is on the minus strand). VCF-style: chr6-152149623-T-C. GRCh37 (hg19) VCF-style: chr6-152470758-T-C.
Other names: c.1102A>G, p.Ile368Val (NM_001347701.2); c.961A>G, p.Ile321Val (NM_001347702.2); c.24283A>G, p.Ile8095Val (NM_033071.5); short protein forms I8095V, I8166V, I368V, I321V.
Identifiers: ClinVar variation 969477 (VCV000969477.9), dbSNP rs773060979, ClinGen allele CA4053159.
Genomic context (GRCh38, chr6:152,149,623, plus strand): 5'-CGATGATCGCTGCATCCAAGGGCTCACTCTTTTCTATCAGCTGTTCTCCTTGGGCAATTA[T>C]CTGCTCAATCTTATTGTGGTTCAGTGAAATTTCCTGCTGGAAGGCCTAGGGAGTACAAAT-3'
Protein context (NP_892006.3, residues 8156-8176): ISLNHNKIEQ[Ile8166Val]IAQGEQLIEK